The following is an entry in ClinVar:

NM_138713.4(NFAT5):c.1198G>A (p.Val400Met)

Gene: NFAT5 (nuclear factor of activated T cells 5; plus strand). Cytogenetic location: 16q22.1.
Variant type: single nucleotide variant.
Coding change: c.1198G>A on transcript NM_138713.4 (MANE Select); coding-DNA position 1198, G replaced by A.
Protein change: p.Val400Met; replaces valine 400 with methionine.
Molecular consequence: missense variant.
Genome position (GRCh38, 1-based): chr16:69,659,728, G>A. VCF-style: chr16-69659728-G-A. GRCh37 (hg19) VCF-style: chr16-69693631-G-A.
Other names: c.1198G>A, p.Val400Met (NM_001113178.3); c.526G>A, p.Val176Met (NM_001367709.1); c.1144G>A, p.Val382Met (NM_006599.4); c.916G>A, p.Val306Met (NM_138714.4, NM_173214.3, NM_173215.3); short protein forms V176M, V306M, V382M, V400M.
Identifiers: ClinVar variation 2810582 (VCV002810582.3), dbSNP rs1439351614, ClinGen allele CA396492961.

ClinVar aggregate classification (germline): Uncertain significance (1 of 4 stars; one submission).

Conditions:
Immunodeficiency. Identifiers: MedGen C0021051, MONDO:0021094, HP:0002721.

Allele frequency attached by ClinVar (database versions not stated): TOPMed below 0.00001; gnomAD 0.00001.
gnomAD v4.1: 1 of 1,604,128 alleles (0.000062%); highest among the groups gnomAD compares: Non-Finnish European, 0.000085%; no homozygotes.

Submission:

Labcorp Genetics (formerly Invitae), Labcorp
Classification: Uncertain significance for Immunodeficiency. Last evaluated: 2023-09-30. Review status: criteria provided, single submitter. Criteria: Invitae Variant Classification Sherloc (09022015). Collection method: clinical testing. Allele origin: germline.
Comment: In summary, the available evidence is currently insufficient to determine the role of this variant in disease. Therefore, it has been classified as a Variant of Uncertain Significance. An algorithm developed to predict the effect of missense changes on protein structure and function (PolyPhen-2) suggests that this variant is likely to be disruptive. This variant has not been reported in the literature in individuals affected with NFAT5-related conditions. This variant is not present in population databases (gnomAD no frequency). This sequence change replaces valine, which is neutral and non-polar, with methionine, which is neutral and non-polar, at codon 306 of the NFAT5 protein (p.Val306Met).